The following is an entry in ClinVar:

ClinVar aggregate classification (germline): Uncertain significance (1 of 4 stars; one submission).

gnomAD v4.1: 14 of 1,613,968 alleles (0.00087%); highest among the groups gnomAD compares: Non-Finnish European, 0.0011%; no homozygotes.

Submission:

Women's Health and Genetics/Laboratory Corporation of America, LabCorp
Classification: Uncertain significance. Last evaluated: 2024-05-29. Review status: criteria provided, single submitter. Criteria: LabCorp Variant Classification Summary - May 2015. Collection method: clinical testing. Allele origin: germline.
Comment: Variant summary: CDAN1 c.1189C>T (p.Arg397Trp) results in a non-conservative amino acid change in the encoded protein sequence. Five of five in-silico tools predict a damaging effect of the variant on protein function. The variant allele was found at a frequency of 1.2e-05 in 251412 control chromosomes. c.1189C>T has been reported in the literature in compound heterozygous individuals affected with Congenital dyserythropoietic anemia, type I or type II (e.g. Kager_2018, Russo_2018). These data indicate that the variant may be associated with disease. To our knowledge, no experimental evidence demonstrating an impact on protein function has been reported. The following publications have been ascertained in the context of this evaluation (PMID: 29797310, 29396846). No submitters have cited clinical-significance assessments for this variant to ClinVar. Based on the evidence outlined above, the variant was classified as VUS-possibly pathogenic.

Literature cited by the submitters: PubMed 29797310; PubMed 29396846.

NM_138477.4(CDAN1):c.1189C>T (p.Arg397Trp)

Gene: CDAN1 (codanin 1; minus strand). Cytogenetic location: 15q15.2.
Variant type: single nucleotide variant.
Coding change: c.1189C>T on transcript NM_138477.4 (MANE Select); coding-DNA position 1189, C replaced by T.
Protein change: p.Arg397Trp; replaces arginine 397 with tryptophan.
Molecular consequence: missense variant.
Genome position (GRCh38, 1-based): chr15:42,734,294, G>A on the plus strand (C>T on the coding strand, the complement: CDAN1 is on the minus strand). VCF-style: chr15-42734294-G-A. GRCh37 (hg19) VCF-style: chr15-43026492-G-A.
Other names: short protein forms R397W.
Identifiers: ClinVar variation 3336312 (VCV003336312.1).